The following is an entry in ClinVar:

ClinVar aggregate classification (germline): Uncertain significance (1 of 4 stars; one submission).

Allele frequency attached by ClinVar (database versions not stated): gnomAD exomes below 0.00001.
gnomAD v4.1: 1 of 1,613,508 alleles (0.000062%); highest among the groups gnomAD compares: Admixed American, 0.0017%; no homozygotes.

Submission:

Ambry Genetics
Classification: Uncertain significance. Last evaluated: 2024-02-23. Review status: criteria provided, single submitter. Criteria: Ambry Variant Classification Scheme 2023. Collection method: clinical testing. Allele origin: germline.
Comment: The p.E349D variant (also known as c.1047G>T), located in coding exon 8 of the RECQL gene, results from a G to T substitution at nucleotide position 1047. The glutamic acid at codon 349 is replaced by aspartic acid, an amino acid with highly similar properties. This amino acid position is conserved. In addition, this alteration is predicted to be tolerated by in silico analysis. Based on the available evidence, the clinical significance of this alteration remains unclear.

NM_002907.4(RECQL):c.1047G>T (p.Glu349Asp)

Gene: RECQL (RecQ like helicase; minus strand). Cytogenetic location: 12p12.1.
Variant type: single nucleotide variant.
Coding change: c.1047G>T on transcript NM_002907.4 (MANE Select); coding-DNA position 1047, G replaced by T.
Protein change: p.Glu349Asp; replaces glutamic acid 349 with aspartic acid.
Molecular consequence: missense variant.
Genome position (GRCh38, 1-based): chr12:21,475,727, C>A on the plus strand (G>T on the coding strand, the complement: RECQL is on the minus strand). VCF-style: chr12-21475727-C-A. GRCh37 (hg19) VCF-style: chr12-21628661-C-A.
Other names: c.1047G>T, p.Glu349Asp (NM_032941.3); short protein forms E349D.
Identifiers: ClinVar variation 3222921 (VCV003222921.1), dbSNP rs1347038157, ClinGen allele CA384121373.